The following is an entry in ClinVar:

NM_001286445.3(RIPOR2):c.2524T>C (p.Ser842Pro)

Gene: RIPOR2 (RHO family interacting cell polarization regulator 2; minus strand). Cytogenetic location: 6p22.3.
Variant type: single nucleotide variant.
Coding change: c.2524T>C on transcript NM_001286445.3 (MANE Select); coding-DNA position 2524, T replaced by C.
Protein change: p.Ser842Pro; replaces serine 842 with proline.
Molecular consequence: missense variant.
Genome position (GRCh38, 1-based): chr6:24,828,278, A>G on the plus strand (T>C on the coding strand, the complement: RIPOR2 is on the minus strand). VCF-style: chr6-24828278-A-G. GRCh37 (hg19) VCF-style: chr6-24828506-A-G.
Other names: c.2437T>C, p.Ser813Pro (NM_001346031.2, NM_001346032.2); c.2587T>C, p.Ser863Pro (NM_014722.5); short protein forms S842P, S813P, S863P.
Identifiers: ClinVar variation 4723383 (VCV004723383.1).

ClinVar aggregate classification (germline): Uncertain significance (1 of 4 stars; one submission).

Submission:

Labcorp Genetics (formerly Invitae), Labcorp
Classification: Uncertain significance. Last evaluated: 2025-07-16. Review status: criteria provided, single submitter. Criteria: Invitae Variant Classification Sherloc (09022015). Collection method: clinical testing. Allele origin: germline.
Comment: This sequence change replaces serine, which is neutral and polar, with proline, which is neutral and non-polar, at codon 863 of the FAM65B protein (p.Ser863Pro). This variant is not present in population databases (gnomAD no frequency). This variant has not been reported in the literature in individuals affected with FAM65B-related conditions. An algorithm developed to predict the effect of missense changes on protein structure and function (PolyPhen-2) suggests that this variant is likely to be disruptive. In summary, the available evidence is currently insufficient to determine the role of this variant in disease. Therefore, it has been classified as a Variant of Uncertain Significance.